The following is an entry in ClinVar:

ClinVar aggregate classification (germline): Pathogenic (1 of 4 stars; one submission).

Submission:

GeneDx
Classification: Pathogenic. Last evaluated: 2019-10-30. Review status: criteria provided, single submitter. Criteria: GeneDx Variant Classification (06012015). Collection method: clinical testing. Allele origin: germline. Affected: yes.
Comment: The c.3167_3207del41 variant causes a frameshift starting with codon Serine 1056, changes this amino acid to a Cysteine residue, and creates a premature Stop codon at position 10 of the new reading frame, denoted p.Ser1056CysfsX10. This variant is predicted to cause loss of normal protein function either through protein truncation or nonsense-mediated mRNA decay. The c.3167_3207del41 variant is not observed in large population cohorts (Lek et al., 2016). Therefore, we interpret c.3167_3207del41 as a pathogenic variant.

NM_032776.3(JMJD1C):c.3167_3207del (p.Ser1056fs)

Gene: JMJD1C (jumonji domain containing 1C; minus strand). Cytogenetic location: 10q21.3.
Variant type: Deletion.
Coding change: c.3167_3207del on transcript NM_032776.3 (MANE Select); coding-DNA positions 3167 to 3207, 41 bases deleted.
Protein change: p.Ser1056fs; shifts the reading frame from serine 1056.
Molecular consequence: frameshift variant. On other transcripts: non-coding transcript variant (1).
Genome position (GRCh38, 1-based): chr10:63,208,462-63,208,502, 41 bases deleted; deleting any 41 consecutive bases within chr10:63,208,462-63,208,504 gives the same sequence; the c. name uses the placement nearest the transcript's 3' end. GRCh37 (hg19): chr10:64,968,224-64,968,264.
Other names: c.2621_2661del, p.Ser874fs (NM_001282948.2, NM_001318154.2); c.2303_2343del, p.Ser768fs (NM_001318153.2); c.3053_3093del, p.Ser1018fs (NM_001322252.2); c.2510_2550del, p.Ser837fs (NM_001322254.2, NM_001322258.2); short protein forms S1018fs, S1056fs, S768fs, S837fs, S874fs.
Identifiers: ClinVar variation 804350 (VCV000804350.1), dbSNP rs1589150589, ClinGen allele CA915945935.